The following is an entry in ClinVar:

ClinVar aggregate classification (germline): Pathogenic (1 of 4 stars; one submission).

Conditions:
Danon disease. Also called: ANTOPOL DISEASE; PSEUDOGLYCOGENOSIS II; GSD IIb; LYSOSOMAL GLYCOGEN STORAGE DISEASE WITHOUT ACID MALTASE DEFICIENCY; Glycogen Storage Disease Type IIb. Identifiers: Orphanet 34587, MedGen C0878677, MONDO:0010281, OMIM 300257.

Submission:

Labcorp Genetics (formerly Invitae), Labcorp
Classification: Pathogenic for Danon disease. Last evaluated: 2018-11-13. Review status: criteria provided, single submitter. Criteria: Invitae Variant Classification Sherloc (09022015). Collection method: clinical testing. Allele origin: germline.
Comment: This sequence change deletes 3 nucleotides and inserts 2 from exon 4 of the LAMP2 mRNA (c.546_548delinsTA), causing a frameshift at codon 183 This creates a premature translational stop signal (p.Ser183Thrfs*59) and is expected to result in an absent or disrupted protein product. While this particular variant has not been reported in the literature, loss-of-function variants in LAMP2 are known to be pathogenic (PMID: 21415759). For these reasons, this variant has been classified as Pathogenic.

Literature cited by the submitters: PubMed 21415759.

NM_002294.3(LAMP2):c.546_548delinsTA (p.Ser183fs)

Gene: LAMP2 (lysosome associated membrane protein 2; minus strand). Cytogenetic location: Xq24.
Variant type: Indel.
Coding change: c.546_548delinsTA on transcript NM_002294.3 (MANE Select); coding-DNA positions 546 to 548, GAG replaced by TA.
Protein change: p.Ser183fs; shifts the reading frame from serine 183.
Molecular consequence: frameshift variant.
Genome position (GRCh38, 1-based): chrX:120,448,978-120,448,980, CTC replaced by TA on the plus strand (GAG replaced by TA on the coding strand, the reverse complement: LAMP2 is on the minus strand). VCF-style: chrX-120448978-CTC-TA. GRCh37 (hg19) VCF-style: chrX-119582833-CTC-TA.
Other names: c.546_548delinsTA, p.Ser183fs (NM_001122606.1, NM_013995.2); short protein forms S183fs.
Identifiers: ClinVar variation 409221 (VCV000409221.8), dbSNP rs1060502302, ClinGen allele CA16616435.